The following is an entry in ClinVar:

ClinVar aggregate classification (germline): Likely pathogenic. Review status: criteria provided, multiple submitters, no conflicts (2 of 4 stars). 4 submissions from 3 submitters: Likely pathogenic (2). 2 of the submissions do not count toward it. Last evaluated 2024-11-25.

Conditions:
Neurodevelopmental disorder with cerebellar atrophy and with or without seizures. Identifiers: MedGen C4748032, MONDO:0020841, OMIM 618056.
Neonatal-onset encephalopathy with rigidity and seizures. Also called: Lethal neonatal spasticity-epileptic encephalopathy syndrome. Identifiers: Orphanet 435845, MedGen C3281029, MONDO:0013784, OMIM 614498.

Submissions (4):

Dasa
Classification: Likely pathogenic. Last evaluated: 2024-11-25. Review status: criteria provided, single submitter. Criteria: DASA Assertion Criteria. Collection method: clinical testing. Allele origin: germline.
Comment: NM_152743.4(BRAT1):c.419T>C (p.Leu140Pro) is a missense variant that results in the substitution of leucine with proline. This variant has been reported in individuals with BRAT1-related disorders (PMID: 27282546). Also, this variant is absent from population databases. Computational evidence supports a deleterious effect. Based on the currently available evidence, this variant is classified as likely pathogenic.

GeneDx
Classification: Likely pathogenic. Last evaluated: 2015-06-10. Review status: criteria provided, single submitter. Criteria: GeneDx Variant Classification (06012015). Collection method: clinical testing. Allele origin: germline. Affected: yes.
Comment: The L140P variant in the BRAT1 gene has not been published as a pathogenic variant, nor has it been reported as a benign polymorphism to our knowledge. The L140P variant was not observed in approximately 6300 individuals of European and African American ancestry in the NHLBI Exome Sequencing Project, indicating it is not a common benign variant in these populations. The L140P variant is a semi-conservative amino acid substitution, which occurs at a position that is conserved across species. In silico analysis predicts this variant is probably damaging to the protein structure/function. The L140P variant is a strong candidate for a disease-causing variant, however the possibility it may be a rare benign variant cannot be excluded.

OMIM
Classification: Pathogenic for NEURODEVELOPMENTAL DISORDER WITH CEREBELLAR ATROPHY AND SEIZURES. Last evaluated: 2018-08-02. Review status: no assertion criteria provided. Collection method: literature only. Allele origin: germline. Not counted in ClinVar's aggregate classification.

OMIM
Classification: Pathogenic for RIGIDITY AND MULTIFOCAL SEIZURE SYNDROME, LETHAL NEONATAL. Last evaluated: 2018-08-02. Review status: no assertion criteria provided. Collection method: literature only. Allele origin: germline. Not counted in ClinVar's aggregate classification.

Literature cited by the submitters: PubMed 27282546 (cited by Dasa and OMIM).

NM_152743.4(BRAT1):c.419T>C (p.Leu140Pro)

Gene: BRAT1 (BRCA1 associated ATM activator 1; minus strand). Cytogenetic location: 7p22.3.
Variant type: single nucleotide variant.
Coding change: c.419T>C on transcript NM_152743.4 (MANE Select); coding-DNA position 419, T replaced by C.
Protein change: p.Leu140Pro; replaces leucine 140 with proline.
Molecular consequence: missense variant. On other transcripts: non-coding transcript variant (1), intron variant (1).
Genome position (GRCh38, 1-based): chr7:2,544,920, A>G on the plus strand (T>C on the coding strand, the complement: BRAT1 is on the minus strand). VCF-style: chr7-2544920-A-G. GRCh37 (hg19) VCF-style: chr7-2584554-A-G.
Other names: c.419T>C, p.Leu140Pro (NM_001350626.2); c.-95-958T>C (NM_001350627.2); short protein forms L140P.
Identifiers: ClinVar variation 427101 (VCV000427101.4), dbSNP rs1085307958, ClinGen allele CA366632769.